The following is an entry in ClinVar:

NM_000719.7(CACNA1C):c.2029T>C (p.Phe677Leu)

Gene: CACNA1C (calcium voltage-gated channel subunit alpha1 C; plus strand). Cytogenetic location: 12p13.33.
Variant type: single nucleotide variant.
Coding change: c.2029T>C on transcript NM_000719.7 (MANE Select); coding-DNA position 2029, T replaced by C.
Protein change: p.Phe677Leu; replaces phenylalanine 677 with leucine.
Molecular consequence: missense variant.
Genome position (GRCh38, 1-based): chr12:2,581,723, T>C. VCF-style: chr12-2581723-T-C. GRCh37 (hg19) VCF-style: chr12-2690889-T-C.
Other names: c.2029T>C, p.Phe677Leu (NM_001129831.2, NM_001129832.2, NM_001129833.2 and 18 more transcripts); c.2020T>C, p.Phe674Leu (NM_001129844.2); short protein forms F674L, F677L.
Identifiers: ClinVar variation 4217783 (VCV004217783.1).

ClinVar aggregate classification (germline): Uncertain significance (1 of 4 stars; one submission).

Conditions:
Cardiovascular phenotype. Identifiers: MedGen CN230736.

Submission:

Ambry Genetics
Classification: Uncertain significance for Cardiovascular phenotype. Last evaluated: 2025-06-18. Review status: criteria provided, single submitter. Criteria: Ambry Variant Classification Scheme 2023. Collection method: clinical testing. Allele origin: germline.
Comment: The c.2029T>C (p.F677L) alteration is located in exon 14 (coding exon 14) of the CACNA1C gene. This alteration results from a T to C substitution at nucleotide position 2029, causing the phenylalanine (F) at amino acid position 677 to be replaced by a leucine (L). This variant was not reported in population-based cohorts in the Genome Aggregation Database (gnomAD). This amino acid position is highly conserved in available vertebrate species. This missense alteration is located in a region that has a low rate of benign missense variation (Lek, 2016; Firth, 2009). This alteration is predicted to be deleterious by in silico analysis. Based on insufficient or conflicting evidence, the clinical significance of this alteration remains unclear.